The following is an entry in ClinVar:

ClinVar aggregate classification (germline): Pathogenic (1 of 4 stars; one submission).

Conditions:
Cystinuria (CSNU). Also called: CYSTINURIA, TYPE I; CYSTINURIA, TYPE II; CYSTINURIA, TYPE III; Cystinuria, non-type I. Identifiers: Orphanet 214, MedGen C0010691, MONDO:0009067, OMIM 220100, HP:0003131.

Submission:

Rare Kidney Stone Consortium and the Mayo Clinic Hyperoxaluria Center, Mayo Clinic
Classification: Pathogenic for Cystinuria. Last evaluated: 2025-10-03. Review status: criteria provided, single submitter. Criteria: ACMG Guidelines, 2015. Collection method: research. Allele origin: germline. Affected: yes. Observed: 1 variant allele.
Comment: ACMG:PVS1, PM2, PP4

Literature cited by the submitters: PubMed 35325889; PubMed 40794449.

NC_000002.11:g.(?_44507855)_(44508680_?)del

Gene: SLC3A1 (solute carrier family 3 member 1; plus strand). Cytogenetic location: 2p21.
Variant type: Deletion.
Identifiers: ClinVar variation 4526824 (VCV004526824.1).